The following is an entry in ClinVar:

NM_005267.5(GJA8):c.97C>G (p.Arg33Gly)

Gene: GJA8 (gap junction protein alpha 8; plus strand). Cytogenetic location: 1q21.2.
Variant type: single nucleotide variant.
Coding change: c.97C>G on transcript NM_005267.5 (MANE Select); coding-DNA position 97, C replaced by G.
Protein change: p.Arg33Gly; replaces arginine 33 with glycine.
Molecular consequence: missense variant.
Genome position (GRCh38, 1-based): chr1:147,908,052, C>G. VCF-style: chr1-147908052-C-G. GRCh37 (hg19) VCF-style: chr1-147380179-C-G.
Other names: short protein forms R33G.
Identifiers: ClinVar variation 3633608 (VCV003633608.2).

ClinVar aggregate classification (germline): Uncertain significance (1 of 4 stars; one submission).

Conditions:
Cataract 1 multiple types. Also called: CATARACT 1, NUCLEAR PROGRESSIVE; CATARACT 1 WITH MICROCORNEA; CATARACT 1, POSTERIOR SUBCAPSULAR, WITH MICROCORNEA; CATARACT 1, STELLATE NUCLEAR, WITH MICROCORNEA; CATARACT 1, MULTIPLE TYPES, WITH OR WITHOUT MICROCORNEA; CATARACT, DUFFY-LINKED. Identifiers: Orphanet 1377, MedGen C1861828, MONDO:0007285, OMIM 116200.

Submission:

Labcorp Genetics (formerly Invitae), Labcorp
Classification: Uncertain significance for Cataract 1 multiple types. Last evaluated: 2024-05-09. Review status: criteria provided, single submitter. Criteria: Invitae Variant Classification Sherloc (09022015). Collection method: clinical testing. Allele origin: germline.
Comment: This sequence change replaces arginine, which is basic and polar, with glycine, which is neutral and non-polar, at codon 33 of the GJA8 protein (p.Arg33Gly). This variant is not present in population databases (gnomAD no frequency). This variant has not been reported in the literature in individuals affected with GJA8-related conditions. Advanced modeling of protein sequence and biophysical properties (such as structural, functional, and spatial information, amino acid conservation, physicochemical variation, residue mobility, and thermodynamic stability) performed at Invitae indicates that this missense variant is expected to disrupt GJA8 protein function with a positive predictive value of 95%. In summary, the available evidence is currently insufficient to determine the role of this variant in disease. Therefore, it has been classified as a Variant of Uncertain Significance.